The following is an entry in ClinVar:

ClinVar aggregate classification (germline): Uncertain significance (1 of 4 stars; one submission).

gnomAD v4.1: 2 of 1,613,886 alleles (0.00012%); highest among the groups gnomAD compares: African/African-American, 0.0027%; no homozygotes.

Submission:

Labcorp Genetics (formerly Invitae), Labcorp
Classification: Uncertain significance. Last evaluated: 2024-04-27. Review status: criteria provided, single submitter. Criteria: Invitae Variant Classification Sherloc (09022015). Collection method: clinical testing. Allele origin: germline.
Comment: This sequence change replaces histidine, which is basic and polar, with arginine, which is basic and polar, at codon 703 of the CSF1R protein (p.His703Arg). This variant is present in population databases (rs777496689, gnomAD 0.007%). This variant has not been reported in the literature in individuals affected with CSF1R-related conditions. Advanced modeling of protein sequence and biophysical properties (such as structural, functional, and spatial information, amino acid conservation, physicochemical variation, residue mobility, and thermodynamic stability) performed at Invitae indicates that this missense variant is not expected to disrupt CSF1R protein function with a negative predictive value of 95%. In summary, the available evidence is currently insufficient to determine the role of this variant in disease. Therefore, it has been classified as a Variant of Uncertain Significance.

NM_001288705.3(CSF1R):c.2108A>G (p.His703Arg)

Gene: CSF1R (colony stimulating factor 1 receptor; minus strand). Cytogenetic location: 5q32.
Variant type: single nucleotide variant.
Coding change: c.2108A>G on transcript NM_001288705.3 (MANE Select); coding-DNA position 2108, A replaced by G.
Protein change: p.His703Arg; replaces histidine 703 with arginine.
Molecular consequence: missense variant.
Genome position (GRCh38, 1-based): chr5:150,059,724, T>C on the plus strand (A>G on the coding strand, the complement: CSF1R is on the minus strand). VCF-style: chr5-150059724-T-C. GRCh37 (hg19) VCF-style: chr5-149439287-T-C.
Other names: c.2108A>G, p.His703Arg (NM_001349736.2, NM_001375320.1, NM_005211.4); c.1664A>G, p.His555Arg (NM_001375321.1); short protein forms H555R, H703R.
Identifiers: ClinVar variation 3622002 (VCV003622002.2).